The following is an entry in ClinVar:

NM_000260.4(MYO7A):c.4502_4503del (p.Val1501fs)

Gene: MYO7A (myosin VIIA; plus strand). Cytogenetic location: 11q13.5.
Variant type: Microsatellite.
Coding change: c.4502_4503del on transcript NM_000260.4 (MANE Select); coding-DNA positions 4502 to 4503, 2 bases deleted (TG; older notation c.4502_4503delTG).
Protein change: p.Val1501fs; shifts the reading frame from valine 1501.
Molecular consequence: frameshift variant.
Genome position (GRCh38, 1-based): chr11:77,198,555-77,198,556, TG deleted; deleting any 2 consecutive bases within chr11:77,198,553-77,198,556 gives the same sequence; the c. name uses the placement nearest the transcript's 3' end. VCF-style (leftmost placement, unchanged base first): chr11-77198552-TTG-T. GRCh37 (hg19) VCF-style: chr11-76909597-TTG-T.
Other names: c.4502_4503del (NM_000260.3); c.4502_4503del, p.Val1501fs (NM_001127180.2); c.4469_4470del, p.Val1490fs (NM_001369365.1); short protein forms V1501fs, V1490fs.
Identifiers: ClinVar variation 550495 (VCV000550495.24), dbSNP rs1555099541, ClinGen allele CA658822317.

ClinVar aggregate classification (germline): Pathogenic/Likely pathogenic. Review status: criteria provided, multiple submitters, no conflicts (2 of 4 stars). 9 submissions from 9 submitters: Pathogenic (5); Likely pathogenic (2). 2 of the submissions do not count toward it. Last evaluated 2025-08-05.

Conditions:
Autosomal recessive nonsyndromic hearing loss 2. Also called: NEUROSENSORY NONSYNDROMIC RECESSIVE DEAFNESS 2; DEAFNESS, AUTOSOMAL RECESSIVE 2. Identifiers: Orphanet 90636, MedGen C1838701, MONDO:0010807, OMIM 600060.
Usher syndrome type 1 (USH1). Also called: RETINITIS PIGMENTOSA AND CONGENITAL DEAFNESS. Identifiers: Orphanet 231169, Orphanet 886, MedGen C1568247, MONDO:0010168, OMIM 276900.
MYO7A-related disorder. Also called: MYO7A-related disorders.
Autosomal dominant nonsyndromic hearing loss 11. Identifiers: Orphanet 90635, MedGen C1832475, MONDO:0011032, OMIM 601317.
Usher syndrome type 1B (USH1B). Also called: Usher syndrome type IB. Identifiers: MedGen C1848638, MONDO:0700087.

Submissions (9):

Revvity Omics, Revvity
Classification: Pathogenic. Last evaluated: 2025-08-05. Review status: criteria provided, single submitter. Criteria: ACMG Guidelines, 2015. Collection method: clinical testing. Allele origin: germline.

Labcorp Genetics (formerly Invitae), Labcorp
Classification: Pathogenic. Last evaluated: 2025-07-13. Review status: criteria provided, single submitter. Criteria: Invitae Variant Classification Sherloc (09022015). Collection method: clinical testing. Allele origin: germline.
Comment: This sequence change creates a premature translational stop signal (p.Val1501Glyfs*2) in the MYO7A gene. It is expected to result in an absent or disrupted protein product. Loss-of-function variants in MYO7A are known to be pathogenic (PMID: 8900236, 25404053). This variant is not present in population databases (gnomAD no frequency). This premature translational stop signal has been observed in individual(s) with Usher syndrome (PMID: 16963483). This variant is also known as 4501_4502delGT. ClinVar contains an entry for this variant (Variation ID: 550495). For these reasons, this variant has been classified as Pathogenic.

Natera, Inc.
Classification: Pathogenic for Usher syndrome type 1B. Last evaluated: 2025-06-18. Review status: criteria provided, single submitter. Criteria: Natera Variant Classification Schema (03/2026). Collection method: clinical testing. Allele origin: germline.
Comment: The c.4502_4503del variant in MYO7A is a frameshift variant predicted to shift the reading frame beginning at codon 1501 and leads to a stop codon 2 codons downstream. This variant is expected to result in nonsense mediated decay, truncation, or a dysfunctional protein product. This variant is rare in the general population with a frequency below the threshold expected for the associated phenotype(s). This variant has been observed in one or more individuals affected with the associated recessive disease, as either homozygous or compound heterozygous with a second variant (PMID: 35456422). Given the available evidence, this variant is classified as Pathogenic.

Genomic Medicine Center of Excellence, King Faisal Specialist Hospital and Research Centre
Classification: Pathogenic for Usher syndrome type 1. Last evaluated: 2024-03-25. Review status: criteria provided, single submitter. Criteria: ACMG Guidelines, 2015. Collection method: clinical testing. Allele origin: germline.

Fulgent Genetics
Classification: Pathogenic for Usher syndrome type 1; Autosomal recessive nonsyndromic hearing loss 2; Autosomal dominant nonsyndromic hearing loss 11. Last evaluated: 2024-01-19. Review status: criteria provided, single submitter. Criteria: ACMG Guidelines, 2015. Collection method: clinical testing. Allele origin: germline.

Blueprint Genetics
Classification: Likely pathogenic for MYO7A-related disorders. Last evaluated: 2020-11-05. Review status: criteria provided, single submitter. Criteria: ACMG Guidelines, 2015. Collection method: clinical testing. Allele origin: germline. Affected: yes. Observed: 3 variant alleles.

Genetic Services Laboratory, University of Chicago
Classification: Likely pathogenic. Last evaluated: 2020-07-23. Review status: criteria provided, single submitter. Criteria: ACMG Guidelines, 2015. Collection method: clinical testing. Allele origin: germline. Affected: yes.
Comment: DNA sequence analysis of the MYO7A gene demonstrated a two base pair deletion in exon 34, c.4502_4503del. This sequence change results in an amino acid frameshift and creates a premature stop codon one amino acid downstream of the change, p.Val1501Glyfs*2. This sequence change is predicted to result in an abnormal transcript, which may be degraded, or may lead to the production of a truncated MYO7A protein with potentially abnormal function. This sequence change has been reported in a patient with Usher syndrome but no additional information was provided by the authors (PMID: 16963483). Other frameshift deletions in the MYO7A gene downstream to this position have been described in several patients with MYO7A-related disorders (PMIDs: 16963483, 9382091, 27460420). This sequence change is absent from the large population databases such as ExAC and gnomAD. This sequence change is likely pathogenic, however functional studies have not been performed to prove this conclusively.

Biochemical Molecular Genetic Laboratory, King Abdulaziz Medical City
Classification: Likely pathogenic for Usher syndrome type 1. Last evaluated: 2020-02-05. Review status: no assertion criteria provided. Collection method: clinical testing. Allele origin: germline. Affected: yes. Not counted in ClinVar's aggregate classification.

Counsyl
Classification: Likely pathogenic for Usher syndrome type 1; Autosomal recessive nonsyndromic hearing loss 2. Last evaluated: 2017-01-26. Review status: no assertion criteria provided. Collection method: clinical testing. Allele origin: unknown. Not counted in ClinVar's aggregate classification.

Literature cited by the submitters: PubMed 8900236 (cited by Labcorp Genetics (formerly Invitae), Labcorp); PubMed 25404053 (cited by Labcorp Genetics (formerly Invitae), Labcorp); PubMed 16963483 (cited by Labcorp Genetics (formerly Invitae), Labcorp and Counsyl); PubMed 35456422 (cited by Natera, Inc.).